The following is an entry in ClinVar:

NC_000004.11:g.(?_39218734)_(39219745_?)del

Gene: WDR19 (WD repeat domain 19; plus strand). Cytogenetic location: 4p14.
Variant type: Deletion.
Identifiers: ClinVar variation 2426917 (VCV002426917.4).

ClinVar aggregate classification (germline): Pathogenic (1 of 4 stars; one submission).

Conditions:
Senior-Loken syndrome 8 (SLSN8). Identifiers: Orphanet 3156, MedGen C4225376, MONDO:0014579, OMIM 616307.
Asphyxiating thoracic dystrophy 5 (SRTD5). Also called: SHORT-RIB THORACIC DYSPLASIA 5 WITH OR WITHOUT POLYDACTYLY; SHORT-RIB THORACIC DYSPLASIA 5 WITHOUT POLYDACTYLY. Identifiers: Orphanet 474, MedGen C3280598, MONDO:0013717, OMIM 614376.

Submission:

Labcorp Genetics (formerly Invitae), Labcorp
Classification: Pathogenic for Senior-Loken syndrome 8; Asphyxiating thoracic dystrophy 5. Last evaluated: 2023-10-03. Review status: criteria provided, single submitter. Criteria: Invitae Variant Classification Sherloc (09022015). Collection method: clinical testing. Allele origin: germline.
Comment: This variant is a gross deletion of the genomic region encompassing exon(s) 13-14 of the WDR19 gene. This deletion is out-of-frame, and is expected to create a premature termination codon and result in an absent or disrupted protein product. Loss-of-function variants in WDR19 are known to be pathogenic (PMID: 22019273, 23559409, 23683095, 26275793, 27241786, 29068549). This variant has not been reported in the literature in individuals affected with WDR19-related conditions. For these reasons, this variant has been classified as Pathogenic.

Literature cited by the submitters: PubMed 22019273; PubMed 23559409; PubMed 23683095; PubMed 26275793; PubMed 27241786; PubMed 29068549.